The following is an entry in ClinVar:

ClinVar aggregate classification (germline): Uncertain significance (1 of 4 stars; one submission).

Submission:

Labcorp Genetics (formerly Invitae), Labcorp
Classification: Uncertain significance. Last evaluated: 2019-10-10. Review status: criteria provided, single submitter. Criteria: Invitae Variant Classification Sherloc (09022015). Collection method: clinical testing. Allele origin: germline.
Comment: This variant is not present in population databases (ExAC no frequency). This sequence change replaces glutamic acid with alanine at codon 358 of the MSH3 protein (p.Glu358Ala). The glutamic acid residue is moderately conserved and there is a moderate physicochemical difference between glutamic acid and alanine. This variant has not been reported in the literature in individuals with MSH3-related conditions. Algorithms developed to predict the effect of missense changes on protein structure and function output the following: SIFT: "Tolerated"; PolyPhen-2: "Benign"; Align-GVGD: "Class C0". The alanine amino acid residue is found in multiple mammalian species, suggesting that this missense change does not adversely affect protein function. These predictions have not been confirmed by published functional studies and their clinical significance is uncertain. In summary, the available evidence is currently insufficient to determine the role of this variant in disease. Therefore, it has been classified as a Variant of Uncertain Significance.

NM_002439.5(MSH3):c.1073A>C (p.Glu358Ala)

Gene: MSH3 (mutS homolog 3; plus strand). Cytogenetic location: 5q14.1.
Variant type: single nucleotide variant.
Coding change: c.1073A>C on transcript NM_002439.5 (MANE Select); coding-DNA position 1073, A replaced by C.
Protein change: p.Glu358Ala; replaces glutamic acid 358 with alanine.
Molecular consequence: missense variant.
Genome position (GRCh38, 1-based): chr5:80,675,028, A>C. VCF-style: chr5-80675028-A-C. GRCh37 (hg19) VCF-style: chr5-79970847-A-C.
Other names: short protein forms E358A.
Identifiers: ClinVar variation 963225 (VCV000963225.9), dbSNP rs1749807265, ClinGen allele CA360267988.